The following is an entry in ClinVar:

ClinVar aggregate classification (germline): Benign (1 of 4 stars; one submission).

Allele frequency attached by ClinVar (database versions not stated): gnomAD 0.28407 and 0.30185; TOPMed 0.29399; 1000 Genomes Project 30x 0.39038; 1000 Genomes Project 0.40395.
gnomAD v4.1: 46,058 of 152,020 alleles (30%); highest among the groups gnomAD compares: East Asian, 78%; 9,091 homozygotes.

Submission:

GeneDx
Classification: Benign. Last evaluated: 2018-06-19. Review status: criteria provided, single submitter. Criteria: GeneDx Variant Classification (06012015). Collection method: clinical testing. Allele origin: germline. Affected: yes.
Comment: This variant is considered likely benign or benign based on one or more of the following criteria: it is a conservative change, it occurs at a poorly conserved position in the protein, it is predicted to be benign by multiple in silico algorithms, and/or has population frequency not consistent with disease.

NM_000081.4(LYST):c.8151+296A>G

Gene: LYST (lysosomal trafficking regulator; minus strand). Cytogenetic location: 1q42.3.
Variant type: single nucleotide variant.
Coding change: c.8151+296A>G on transcript NM_000081.4 (MANE Select); 296 bases into the intron after coding-DNA position 8151, A replaced by G.
Molecular consequence: intron variant.
Genome position (GRCh38, 1-based): chr1:235,743,683, T>C on the plus strand (A>G on the coding strand, the complement: LYST is on the minus strand). VCF-style: chr1-235743683-T-C. GRCh37 (hg19) VCF-style: chr1-235906983-T-C.
Other names: c.8151+296A>G (NM_001301365.1).
Identifiers: ClinVar variation 672017 (VCV000672017.1), dbSNP rs2753329, ClinGen allele CA39605771.
Genomic context (GRCh38, chr1:235,743,683, plus strand): 5'-AGAGTAAGTAGCCATAAATACAGTCCTTTAAAAAGAAATAGTTCATGTAAACTCCCATAG[T>C]AGTCATCAATGATGATGATCTACTCTTTTCTGATGCTGATCTTACTAAACAACACTAGAA-3'